The following is an entry in ClinVar:

NM_006204.4(PDE6C):c.105A>T (p.Glu35Asp)

Gene: PDE6C (phosphodiesterase 6C; plus strand). Cytogenetic location: 10q23.33.
Variant type: single nucleotide variant.
Coding change: c.105A>T on transcript NM_006204.4 (MANE Select); coding-DNA position 105, A replaced by T.
Protein change: p.Glu35Asp; replaces glutamic acid 35 with aspartic acid.
Molecular consequence: missense variant.
Genome position (GRCh38, 1-based): chr10:93,612,830, A>T. VCF-style: chr10-93612830-A-T. GRCh37 (hg19) VCF-style: chr10-95372587-A-T.
Other names: short protein forms E35D.
Identifiers: ClinVar variation 1444831 (VCV001444831.8), dbSNP rs990285040, ClinGen allele CA211567929.

ClinVar aggregate classification (germline): Uncertain significance (1 of 4 stars; one submission).

Allele frequency attached by ClinVar (database versions not stated): gnomAD exomes below 0.00001; TOPMed below 0.00001; gnomAD 0.00001.
gnomAD v4.1: 3 of 1,614,034 alleles (0.00019%); highest among the groups gnomAD compares: Admixed American, 0.0033%; no homozygotes.

Submission:

Labcorp Genetics (formerly Invitae), Labcorp
Classification: Uncertain significance. Last evaluated: 2022-03-02. Review status: criteria provided, single submitter. Criteria: Invitae Variant Classification Sherloc (09022015). Collection method: clinical testing. Allele origin: germline.
Comment: In summary, the available evidence is currently insufficient to determine the role of this variant in disease. Therefore, it has been classified as a Variant of Uncertain Significance. This sequence change replaces glutamic acid, which is acidic and polar, with aspartic acid, which is acidic and polar, at codon 35 of the PDE6C protein (p.Glu35Asp). This variant is not present in population databases (gnomAD no frequency). This variant has not been reported in the literature in individuals affected with PDE6C-related conditions. Algorithms developed to predict the effect of missense changes on protein structure and function (SIFT, PolyPhen-2, Align-GVGD) all suggest that this variant is likely to be tolerated.